The following is an entry in ClinVar:

NM_000548.5(TSC2):c.1257+17G>T

Gene: TSC2 (TSC complex subunit 2; plus strand). Cytogenetic location: 16p13.3.
Variant type: single nucleotide variant.
Coding change: c.1257+17G>T on transcript NM_000548.5 (MANE Select); 17 bases into the intron after coding-DNA position 1257, G replaced by T.
Molecular consequence: intron variant.
Genome position (GRCh38, 1-based): chr16:2,062,025, G>T. VCF-style: chr16-2062025-G-T. GRCh37 (hg19) VCF-style: chr16-2112026-G-T.
Other names: c.1257+17G>T (NM_001114382.3, NM_021055.3, NM_001370405.1 and 3 more transcripts); c.1146+17G>T (NM_001318827.2); c.657+17G>T (NM_001318831.2); c.1110+17G>T (NM_001318829.2); c.1290+17G>T (NM_001318832.2).
Identifiers: ClinVar variation 378775 (VCV000378775.10), dbSNP rs369939081, ClinGen allele CA028886.

ClinVar aggregate classification (germline): Likely benign. Review status: criteria provided, multiple submitters, no conflicts (2 of 4 stars). 4 submissions from 4 submitters: Likely benign (4). Last evaluated 2026-01-26.

Conditions:
Tuberous sclerosis 2 (TSC2). Identifiers: Orphanet 805, MedGen C1860707, MONDO:0013199, OMIM 613254.

Allele frequency attached by ClinVar (database versions not stated): ExAC 0.00001; gnomAD exomes 0.00002; TOPMed 0.00002; gnomAD 0.00003; ESP Exome Variant Server 0.00008.
gnomAD v4.1: 36 of 1,613,826 alleles (0.0022%); highest among the groups gnomAD compares: Middle Eastern, 0.066%; no homozygotes.

Submissions (4):

Labcorp Genetics (formerly Invitae), Labcorp
Classification: Likely benign for Tuberous sclerosis 2. Last evaluated: 2026-01-26. Review status: criteria provided, single submitter. Criteria: Invitae Variant Classification Sherloc (09022015). Collection method: clinical testing. Allele origin: germline.

Women's Health and Genetics/Laboratory Corporation of America, LabCorp
Classification: Likely benign. Last evaluated: 2025-05-20. Review status: criteria provided, single submitter. Criteria: LabCorp Variant Classification Summary - May 2015. Collection method: clinical testing. Allele origin: germline.

Blueprint Genetics
Classification: Likely benign. Last evaluated: 2024-09-09. Review status: criteria provided, single submitter. Criteria: ACMG Guidelines, 2015. Collection method: clinical testing. Allele origin: germline.

GeneDx
Classification: Likely benign. Last evaluated: 2016-01-08. Review status: criteria provided, single submitter. Criteria: GeneDx Variant Classification (06012015). Collection method: clinical testing. Allele origin: germline. Affected: yes.
Comment: This variant is considered likely benign or benign based on one or more of the following criteria: it is a conservative change, it occurs at a poorly conserved position in the protein, it is predicted to be benign by multiple in silico algorithms, and/or has population frequency not consistent with disease.